The following is an entry in ClinVar:

ClinVar aggregate classification (germline): Benign. Review status: criteria provided, multiple submitters, no conflicts (2 of 4 stars). 9 submissions from 9 submitters: Benign (9). Last evaluated 2026-02-03.

Conditions:
Noonan syndrome 9 (NS9). Identifiers: Orphanet 648, MedGen C4225282, MONDO:0014691, OMIM 616559.
Noonan syndrome and Noonan-related syndrome. Identifiers: Orphanet 98733, MedGen C5681679, MONDO:0020297.
Cardiovascular phenotype. Identifiers: MedGen CN230736.

Allele frequency attached by ClinVar (database versions not stated): gnomAD exomes 0.00707; ExAC 0.00849; gnomAD 0.02461 and 0.02622; TOPMed 0.02756; ESP Exome Variant Server 0.02768; 1000 Genomes Project 0.02895; 1000 Genomes Project 30x 0.03186.
gnomAD v4.1: 7,944 of 1,614,066 alleles (0.49%); highest among the groups gnomAD compares: African/African-American, 8.4%; 284 homozygotes.

Submissions (9):

Labcorp Genetics (formerly Invitae), Labcorp
Classification: Benign for Noonan syndrome 9. Last evaluated: 2026-02-03. Review status: criteria provided, single submitter. Criteria: Invitae Variant Classification Sherloc (09022015). Collection method: clinical testing. Allele origin: germline.

ARUP Laboratories, Molecular Genetics and Genomics, ARUP Laboratories
Classification: Benign for Noonan syndrome 9. Last evaluated: 2023-10-14. Review status: criteria provided, single submitter. Criteria: ARUP Molecular Germline Variant Investigation Process 2024. Collection method: clinical testing. Allele origin: germline.

Mayo Clinic Laboratories, Mayo Clinic
Classification: Benign. Last evaluated: 2023-02-20. Review status: criteria provided, single submitter. Criteria: ACMG Guidelines, 2015. Collection method: clinical testing. Allele origin: germline. Observed: 30 variant alleles.

Genome Diagnostics Laboratory, The Hospital for Sick Children
Classification: Benign for Noonan syndrome and Noonan-related syndrome. Last evaluated: 2021-03-18. Review status: criteria provided, single submitter. Criteria: ACMG Guidelines, 2015. Collection method: clinical testing. Allele origin: germline.

Ambry Genetics
Classification: Benign for Cardiovascular phenotype. Last evaluated: 2018-12-04. Review status: criteria provided, single submitter. Criteria: Ambry Variant Classification Scheme 2023. Collection method: clinical testing. Allele origin: germline.

Women's Health and Genetics/Laboratory Corporation of America, LabCorp
Classification: Benign. Last evaluated: 2017-04-12. Review status: criteria provided, single submitter. Criteria: LabCorp Variant Classification Summary - May 2015. Collection method: clinical testing. Allele origin: germline.
Comment: Variant summary: The SOS2 c.1448G>A (p.Ser483Asn) variant involves the alteration of a non-conserved nucleotide, resulting in a missense substitution. The variant lies within the Pleckstrin homology domain (InterPro) and 4/4 in silico tools predict a benign outcome for this variant. This variant was found in the large control database ExAC at a frequency of 0.0084862 in all populations (1030/121374 control chromosomes [39 homozygotes]), but was observed most commonly in the African subpopulation at a frequency of 0.087794 (912/10388 [38 homozygotes]). This frequency is about 35118 times the estimated maximal expected allele frequency of a pathogenic SOS2 variant (0.0000025), providing strong evidence that this is likely a benign polymorphism found primarily in the populations of African origin. One publication has reported the variant in 6 individuals diagnosed with RASopathies or Noonan syndrome. However, co-segregation data was not provided and the authors classified the variant as a polymorphism (Cordeddu_HM_2015). In addition, one clinical diagnostic laboratories classified this variant as benign. Taken together, this variant is classified as benign.

GeneDx
Classification: Benign. Last evaluated: 2016-11-28. Review status: criteria provided, single submitter. Criteria: GeneDx Variant Classification (06012015). Collection method: clinical testing. Allele origin: germline. Affected: yes.
Comment: This variant is considered likely benign or benign based on one or more of the following criteria: it is a conservative change, it occurs at a poorly conserved position in the protein, it is predicted to be benign by multiple in silico algorithms, and/or has population frequency not consistent with disease.

Breakthrough Genomics
Classification: Benign. Review status: criteria provided, single submitter. Criteria: ACMG Guidelines, 2015. Collection method: not provided. Allele origin: germline. Inheritance: Autosomal dominant inheritance. Affected: yes.

Genome-Nilou Lab
Classification: Benign for Noonan syndrome 9. Review status: criteria provided, single submitter. Criteria: ACMG Guidelines, 2015. Collection method: clinical testing. Allele origin: germline.

Literature cited by the submitters: PubMed 26173643 (cited by Women's Health and Genetics/Laboratory Corporation of America, LabCorp).

NM_006939.4(SOS2):c.1448G>A (p.Ser483Asn)

Gene: SOS2 (SOS Ras/Rho guanine nucleotide exchange factor 2; minus strand). Cytogenetic location: 14q21.3.
Variant type: single nucleotide variant.
Coding change: c.1448G>A on transcript NM_006939.4 (MANE Select); coding-DNA position 1448, G replaced by A.
Protein change: p.Ser483Asn; replaces serine 483 with asparagine.
Molecular consequence: missense variant.
Genome position (GRCh38, 1-based): chr14:50,159,835, C>T on the plus strand (G>A on the coding strand, the complement: SOS2 is on the minus strand). VCF-style: chr14-50159835-C-T. GRCh37 (hg19) VCF-style: chr14-50626553-C-T.
Other names: p.Ser483Asn; short protein forms S483N.
Identifiers: ClinVar variation 388232 (VCV000388232.32), dbSNP rs17122201, ClinGen allele CA7177276.